The following is an entry in ClinVar:

NM_032578.4(MYPN):c.3854G>A (p.Gly1285Glu)

Gene: MYPN (myopalladin; plus strand). Cytogenetic location: 10q21.3.
Variant type: single nucleotide variant.
Coding change: c.3854G>A on transcript NM_032578.4 (MANE Select); coding-DNA position 3854, G replaced by A.
Protein change: p.Gly1285Glu; replaces glycine 1285 with glutamic acid.
Molecular consequence: missense variant. On other transcripts: non-coding transcript variant (2).
Genome position (GRCh38, 1-based): chr10:68,210,346, G>A. VCF-style: chr10-68210346-G-A. GRCh37 (hg19) VCF-style: chr10-69970103-G-A.
Other names: c.3854G>A, p.Gly1285Glu (NM_001256267.2); c.2972G>A, p.Gly991Glu (NM_001256268.2); short protein forms G1285E, G991E.
Identifiers: ClinVar variation 1735546 (VCV001735546.2), dbSNP rs757985797, ClinGen allele CA5523180.

ClinVar aggregate classification (germline): Uncertain significance (1 of 4 stars; one submission).

Conditions:
Cardiovascular phenotype. Identifiers: MedGen CN230736.

Allele frequency attached by ClinVar (database versions not stated): gnomAD 0.00001; ExAC 0.00002; gnomAD exomes 0.00003.
gnomAD v4.1: 42 of 1,613,986 alleles (0.0026%); highest among the groups gnomAD compares: East Asian, 0.089%; no homozygotes.

Submission:

Ambry Genetics
Classification: Uncertain significance for Cardiovascular phenotype. Last evaluated: 2022-02-25. Review status: criteria provided, single submitter. Criteria: Ambry Variant Classification Scheme 2023. Collection method: clinical testing. Allele origin: germline.
Comment: The p.G1285E variant (also known as c.3854G>A), located in coding exon 19 of the MYPN gene, results from a G to A substitution at nucleotide position 3854. The glycine at codon 1285 is replaced by glutamic acid, an amino acid with similar properties. This amino acid position is not well conserved in available vertebrate species. In addition, this alteration is predicted to be tolerated by in silico analysis. Since supporting evidence is limited at this time, the clinical significance of this alteration remains unclear.